The following is an entry in ClinVar:

ClinVar aggregate classification (germline): Uncertain significance (1 of 4 stars; one submission).

Conditions:
Charcot-Marie-Tooth disease type 2. Also called: Charcot-Marie-Tooth type 2. Identifiers: Orphanet 64746, MedGen C0270914, MONDO:0018993.

gnomAD v4.1: 2 of 1,598,420 alleles (0.00013%); highest among the groups gnomAD compares: Non-Finnish European, 0.00017%; no homozygotes.

Submission:

Labcorp Genetics (formerly Invitae), Labcorp
Classification: Uncertain significance for Charcot-Marie-Tooth disease type 2. Last evaluated: 2025-03-26. Review status: criteria provided, single submitter. Criteria: Invitae Variant Classification Sherloc (09022015). Collection method: clinical testing. Allele origin: germline.
Comment: This sequence change replaces proline, which is neutral and non-polar, with serine, which is neutral and polar, at codon 672 of the AARS protein (p.Pro672Ser). This variant is not present in population databases (gnomAD no frequency). This variant has not been reported in the literature in individuals affected with AARS-related conditions. Invitae Evidence Modeling of protein sequence and biophysical properties (such as structural, functional, and spatial information, amino acid conservation, physicochemical variation, residue mobility, and thermodynamic stability) indicates that this missense variant is not expected to disrupt AARS protein function with a negative predictive value of 95%. In summary, the available evidence is currently insufficient to determine the role of this variant in disease. Therefore, it has been classified as a Variant of Uncertain Significance.

NM_001605.3(AARS1):c.2014C>T (p.Pro672Ser)

Gene: AARS1 (alanyl-tRNA synthetase 1; minus strand). Cytogenetic location: 16q22.1.
Variant type: single nucleotide variant.
Coding change: c.2014C>T on transcript NM_001605.3 (MANE Select); coding-DNA position 2014, C replaced by T.
Protein change: p.Pro672Ser; replaces proline 672 with serine.
Molecular consequence: missense variant.
Genome position (GRCh38, 1-based): chr16:70,258,196, G>A on the plus strand (C>T on the coding strand, the complement: AARS1 is on the minus strand). VCF-style: chr16-70258196-G-A. GRCh37 (hg19) VCF-style: chr16-70292099-G-A.
Other names: short protein forms P672S.
Identifiers: ClinVar variation 3656424 (VCV003656424.2).